The following is an entry in ClinVar:

ClinVar aggregate classification (germline): Pathogenic (1 of 4 stars; one submission).

gnomAD v4.1: 9 of 1,600,932 alleles (0.00056%); highest among the groups gnomAD compares: Non-Finnish European, 0.00077%; no homozygotes.

Submission:

Labcorp Genetics (formerly Invitae), Labcorp
Classification: Pathogenic. Last evaluated: 2024-05-26. Review status: criteria provided, single submitter. Criteria: Invitae Variant Classification Sherloc (09022015). Collection method: clinical testing. Allele origin: germline.
Comment: This sequence change affects a donor splice site in intron 4 of the SERPINH1 gene. While this variant is not anticipated to result in nonsense mediated decay, it likely alters RNA splicing and results in a disrupted protein product. This variant is not present in population databases (gnomAD no frequency). This variant has not been reported in the literature in individuals affected with SERPINH1-related conditions. Variants that disrupt the consensus splice site are a relatively common cause of aberrant splicing (PMID: 17576681, 9536098). Algorithms developed to predict the effect of sequence changes on RNA splicing suggest that this variant may disrupt the consensus splice site. This variant disrupts a region of the SERPINH1 protein in which other variant(s) (p.Asp412*) have been determined to be pathogenic (PMID: 31179625). This suggests that this is a clinically significant region of the protein, and that variants that disrupt it are likely to be disease-causing. For these reasons, this variant has been classified as Pathogenic.

Literature cited by the submitters: PubMed 17576681; PubMed 9536098; PubMed 31179625.

NM_001235.5(SERPINH1):c.954+1G>T

Gene: SERPINH1 (serpin family H member 1; plus strand). Cytogenetic location: 11q13.5.
Variant type: single nucleotide variant.
Coding change: c.954+1G>T on transcript NM_001235.5 (MANE Select); the canonical splice donor site of the intron after coding-DNA position 954, G replaced by T.
Molecular consequence: splice donor variant.
Genome position (GRCh38, 1-based): chr11:75,569,172, G>T. VCF-style: chr11-75569172-G-T. GRCh37 (hg19) VCF-style: chr11-75280217-G-T.
Other names: c.954+1G>T (NM_001207014.3).
Identifiers: ClinVar variation 3681612 (VCV003681612.2).
Genomic context (GRCh38, chr11:75,569,172, plus strand): 5'-AAGAAGGCTGTTGCCATCTCCTTGCCCAAGGGTGTGGTGGAGGTGACCCATGACCTGCAG[G>T]TAAGGGGTGGCCCAGCCTAGGGGCCTGCAGGCCTTGGAGCCAGGGGGAGGTGCTTGGGGG-3'